The following is an entry in ClinVar:

NM_000179.3(MSH6):c.206C>T (p.Ala69Val)

Gene: MSH6 (mutS homolog 6; plus strand). Cytogenetic location: 2p16.3.
Variant type: single nucleotide variant.
Coding change: c.206C>T on transcript NM_000179.3 (MANE Select); coding-DNA position 206, C replaced by T.
Protein change: p.Ala69Val; replaces alanine 69 with valine.
Molecular consequence: missense variant. On other transcripts: 5 prime UTR variant (1).
Genome position (GRCh38, 1-based): chr2:47,783,439, C>T. VCF-style: chr2-47783439-C-T. GRCh37 (hg19) VCF-style: chr2-48010578-C-T.
Other names: c.206C>T, p.Ala69Val (NM_001281492.2); c.-531C>T (NM_001281493.2); short protein forms A69V.
Identifiers: ClinVar variation 568384 (VCV000568384.16), dbSNP rs1558645360, ClinGen allele CA346735053.

ClinVar aggregate classification (germline): Uncertain significance. Review status: criteria provided, multiple submitters, no conflicts (2 of 4 stars). 5 submissions from 5 submitters: Uncertain significance (5). Last evaluated 2025-12-01.

Conditions:
Lynch syndrome 5 (LYNCH5). Also called: Colorectal cancer, hereditary nonpolyposis, type 5; Hereditary non-polyposis colorectal cancer, type 5. Identifiers: Orphanet 144, MedGen C1833477, MONDO:0013710, OMIM 614350. Disease mechanism: loss of function.
Hereditary nonpolyposis colorectal neoplasms. Identifiers: MedGen C0009405, MeSH D003123.
Hereditary cancer-predisposing syndrome. Also called: Neoplastic Syndromes, Hereditary; Tumor predisposition; Hereditary neoplastic syndrome; Hereditary Cancer Syndrome. Identifiers: Orphanet 140162, MedGen C0027672, MeSH D009386, MONDO:0015356.
Lynch syndrome. Identifiers: Orphanet 144, MedGen C4552100, MONDO:0005835. Disease mechanism: loss of function.

Allele frequency attached by ClinVar (database versions not stated): gnomAD exomes below 0.00001.
gnomAD v4.1: 2 of 1,498,296 alleles (0.00013%); highest among the groups gnomAD compares: Middle Eastern, 0.018%; no homozygotes.

Submissions (5):

KCCC/NGS Laboratory, Kuwait Cancer Control Center
Classification: Uncertain significance for Lynch syndrome 5. Last evaluated: 2025-12-01. Review status: criteria provided, single submitter. Criteria: ACMG Guidelines, 2015. Collection method: clinical testing. Allele origin: germline. Inheritance: Autosomal dominant inheritance. Affected: no.
Comment: the available evidence is currently insufficient to determine the role of this variant in disease. Therefore, it has been classified as a Variant of Uncertain Significance.

Ambry Genetics
Classification: Uncertain significance for Hereditary cancer-predisposing syndrome. Last evaluated: 2025-11-19. Review status: criteria provided, single submitter. Criteria: Ambry Variant Classification Scheme 2023. Collection method: clinical testing. Allele origin: germline.
Comment: The p.A69V variant (also known as c.206C>T), located in coding exon 1 of the MSH6 gene, results from a C to T substitution at nucleotide position 206. The alanine at codon 69 is replaced by valine, an amino acid with similar properties. This amino acid position is conserved. In silico splice site analysis predicts that this alteration may result in the creation or strengthening of a novel splice donor site. In addition, this alteration is predicted to be tolerated by in silico analysis. Based on the available evidence, the clinical significance of this variant remains unclear.

Labcorp Genetics (formerly Invitae), Labcorp
Classification: Uncertain significance for Hereditary nonpolyposis colorectal neoplasms. Last evaluated: 2025-10-06. Review status: criteria provided, single submitter. Criteria: Invitae Variant Classification Sherloc (09022015). Collection method: clinical testing. Allele origin: germline.
Comment: This sequence change replaces alanine, which is neutral and non-polar, with valine, which is neutral and non-polar, at codon 69 of the MSH6 protein (p.Ala69Val). This variant is not present in population databases (gnomAD no frequency). This variant has not been reported in the literature in individuals affected with MSH6-related conditions. ClinVar contains an entry for this variant (Variation ID: 568384). Invitae Evidence Modeling of protein sequence and biophysical properties (such as structural, functional, and spatial information, amino acid conservation, physicochemical variation, residue mobility, and thermodynamic stability) indicates that this missense variant is not expected to disrupt MSH6 protein function with a negative predictive value of 95%. In summary, the available evidence is currently insufficient to determine the role of this variant in disease. Therefore, it has been classified as a Variant of Uncertain Significance.

Color Diagnostics, LLC DBA Color Health
Classification: Uncertain significance for Hereditary cancer-predisposing syndrome. Last evaluated: 2025-01-20. Review status: criteria provided, single submitter. Criteria: ACMG Guidelines, 2015. Collection method: clinical testing. Allele origin: germline.
Comment: This missense variant replaces alanine with valine at codon 69 of the MSH6 protein. Computational prediction suggests that this variant may not impact protein structure and function (internally defined REVEL score threshold <= 0.5, PMID: 27666373). To our knowledge, functional studies have not been reported for this variant. This variant has not been reported in individuals affected with MSH6-related disorders in the literature. This variant has not been identified in the general population by the Genome Aggregation Database (gnomAD). The available evidence is insufficient to determine the role of this variant in disease conclusively. Therefore, this variant is classified as a Variant of Uncertain Significance.

All of Us Research Program, National Institutes of Health
Classification: Uncertain significance for Lynch syndrome. Last evaluated: 2023-11-20. Review status: criteria provided, single submitter. Criteria: ACMG Guidelines, 2015. Collection method: clinical testing. Allele origin: germline. Inheritance: Autosomal dominant inheritance. Observed: 3 variant alleles, 3 heterozygotes.
Comment: This missense variant replaces alanine with valine at codon 69 of the MSH6 protein. Computational prediction suggests that this variant may not impact protein structure and function (internally defined REVEL score threshold <= 0.5, PMID: 27666373). To our knowledge, functional studies have not been reported for this variant. This variant has not been reported in individuals affected with MSH6-related disorders in the literature. This variant has not been identified in the general population by the Genome Aggregation Database (gnomAD). The available evidence is insufficient to determine the role of this variant in disease conclusively. Therefore, this variant is classified as a Variant of Uncertain Significance.

This study involves interpretation of variants in research participants for the purpose of population health screening. Participant phenotype was not available at the time of variant classification. Additional details can be found in publication PMID: 35346344, PMCID: PMC8962531